The following is an entry in ClinVar:

NM_003128.3(SPTBN1):c.5740T>C (p.Phe1914Leu)

Gene: SPTBN1 (spectrin beta, non-erythrocytic 1; plus strand). Cytogenetic location: 2p16.2.
Variant type: single nucleotide variant.
Coding change: c.5740T>C on transcript NM_003128.3 (MANE Select); coding-DNA position 5740, T replaced by C.
Protein change: p.Phe1914Leu; replaces phenylalanine 1914 with leucine.
Molecular consequence: missense variant.
Genome position (GRCh38, 1-based): chr2:54,653,771, T>C. VCF-style: chr2-54653771-T-C. GRCh37 (hg19) VCF-style: chr2-54880908-T-C.
Other names: c.5701T>C, p.Phe1901Leu (NM_178313.3); short protein forms F1901L, F1914L.
Identifiers: ClinVar variation 4686106 (VCV004686106.1).

ClinVar aggregate classification (germline): Uncertain significance (1 of 4 stars; one submission).

Submission:

GeneDx
Classification: Uncertain significance. Last evaluated: 2025-07-18. Review status: criteria provided, single submitter. Criteria: GeneDx Variant Classification Process June 2021. Collection method: clinical testing. Allele origin: germline. Affected: yes.
Comment: Not observed at significant frequency in large population cohorts (gnomAD); In silico analysis supports that this missense variant has a deleterious effect on protein structure/function; Has not been previously published as pathogenic or benign to our knowledge